The following is an entry in ClinVar:

NM_004100.5(EYA4):c.1316C>A (p.Ser439Tyr)

Genes: EYA4 (EYA transcriptional coactivator and phosphatase 4; plus strand), TARID (TCF21 antisense RNA inducing promoter demethylation; minus strand). Cytogenetic location: 6q23.2.
Variant type: single nucleotide variant.
Coding change: c.1316C>A on transcript NM_004100.5 (MANE Select); coding-DNA position 1316, C replaced by A.
Protein change: p.Ser439Tyr; replaces serine 439 with tyrosine.
Molecular consequence: missense variant.
Genome position (GRCh38, 1-based): chr6:133,512,755, C>A. VCF-style: chr6-133512755-C-A. GRCh37 (hg19) VCF-style: chr6-133833893-C-A.
Other names: c.1154C>A, p.Ser385Tyr (NM_001301012.2); c.1334C>A, p.Ser445Tyr (NM_001301013.2); c.1247C>A, p.Ser416Tyr (NM_001370458.1, NM_172103.4); c.1172C>A, p.Ser391Tyr (NM_001370459.1); c.1316C>A, p.Ser439Tyr (NM_172105.4); c.1316C>A (NM_004100.4); short protein forms S385Y, S391Y, S416Y, S439Y, S445Y.
Identifiers: ClinVar variation 1677469 (VCV001677469.2), dbSNP rs2128781914, ClinGen allele CA365714696.

ClinVar aggregate classification (germline): Uncertain significance. Review status: criteria provided, multiple submitters, no conflicts (2 of 4 stars). 2 submissions from 2 submitters: Uncertain significance (2). Last evaluated 2023-11-06.

Conditions:
Cardiovascular phenotype. Identifiers: MedGen CN230736.

Submissions (2):

Ambry Genetics
Classification: Uncertain significance for Cardiovascular phenotype. Last evaluated: 2023-11-06. Review status: criteria provided, single submitter. Criteria: Ambry Variant Classification Scheme 2023. Collection method: clinical testing. Allele origin: germline.
Comment: The p.S439Y variant (also known as c.1316C>A), located in coding exon 14 of the EYA4 gene, results from a C to A substitution at nucleotide position 1316. The serine at codon 439 is replaced by tyrosine, an amino acid with dissimilar properties. This amino acid position is conserved. In addition, this alteration is predicted to be deleterious by in silico analysis. Since supporting evidence is limited at this time, the clinical significance of this alteration remains unclear.

AiLife Diagnostics
Classification: Uncertain significance. Last evaluated: 2021-11-12. Review status: criteria provided, single submitter. Criteria: ACMG Guidelines, 2015. Collection method: clinical testing. Allele origin: germline. Affected: yes. Observed: 2 variant alleles.